The following is an entry in ClinVar:

ClinVar aggregate classification (germline): Likely pathogenic (1 of 4 stars; one submission).

Conditions:
Glycine encephalopathy. Also called: Nonketotic hyperglycinemia; Non-ketotic hyperglycinemia. Identifiers: Orphanet 407, MedGen C0751748, MONDO:0011612, HP:0008288.

gnomAD v4.1: 7 of 1,612,386 alleles (0.00043%); highest among the groups gnomAD compares: Non-Finnish European, 0.00059%; no homozygotes.

Submission:

Labcorp Genetics (formerly Invitae), Labcorp
Classification: Likely pathogenic for Glycine encephalopathy. Last evaluated: 2023-05-09. Review status: criteria provided, single submitter. Criteria: Invitae Variant Classification Sherloc (09022015). Collection method: clinical testing. Allele origin: germline.
Comment: Variants that disrupt the consensus splice site are a relatively common cause of aberrant splicing (PMID: 17576681, 9536098). Algorithms developed to predict the effect of sequence changes on RNA splicing suggest that this variant may disrupt the consensus splice site. This variant has been observed in individual(s) with non-ketotic hyperglycinemia (PMID: 27362913). In at least one individual the data is consistent with being in trans (on the opposite chromosome) from a pathogenic variant. This variant is not present in population databases (gnomAD no frequency). This sequence change falls in intron 10 of the GLDC gene. It does not directly change the encoded amino acid sequence of the GLDC protein. It affects a nucleotide within the consensus splice site. In summary, the currently available evidence indicates that the variant is pathogenic, but additional data are needed to prove that conclusively. Therefore, this variant has been classified as Likely Pathogenic.

Literature cited by the submitters: PubMed 17576681; PubMed 9536098; PubMed 27362913.

NM_000170.3(GLDC):c.1401+5G>T

Gene: GLDC (glycine decarboxylase; minus strand). Cytogenetic location: 9p24.1.
Variant type: single nucleotide variant.
Coding change: c.1401+5G>T on transcript NM_000170.3 (MANE Select); 5 bases into the intron after coding-DNA position 1401, G replaced by T.
Molecular consequence: intron variant.
Genome position (GRCh38, 1-based): chr9:6,592,846, C>A on the plus strand (G>T on the coding strand, the complement: GLDC is on the minus strand). VCF-style: chr9-6592846-C-A. GRCh37 (hg19) VCF-style: chr9-6592846-C-A.
Identifiers: ClinVar variation 2735250 (VCV002735250.3), dbSNP rs1426503452, ClinGen allele CA2689362101.